The following is an entry in ClinVar:

NM_000091.5(COL4A3):c.872G>A (p.Gly291Glu)

Genes: COL4A3 (collagen type IV alpha 3 chain; plus strand), MFF-DT (MFF divergent transcript; minus strand). Cytogenetic location: 2q36.3.
Variant type: single nucleotide variant.
Coding change: c.872G>A on transcript NM_000091.5 (MANE Select); coding-DNA position 872, G replaced by A.
Protein change: p.Gly291Glu; replaces glycine 291 with glutamic acid.
Molecular consequence: missense variant.
Genome position (GRCh38, 1-based): chr2:227,254,699, G>A. VCF-style: chr2-227254699-G-A. GRCh37 (hg19) VCF-style: chr2-228119415-G-A.
Other names: c.872G>A (NM_000091.4); short protein forms G291E.
Identifiers: ClinVar variation 562337 (VCV000562337.16), dbSNP rs1425230568, ClinGen allele CA350866447.

ClinVar aggregate classification (germline): Likely pathogenic. Review status: criteria provided, multiple submitters, no conflicts (2 of 4 stars). 7 submissions from 7 submitters: Likely pathogenic (6). 1 of the submissions does not count toward it. Last evaluated 2025-09-14.

Conditions:
COL4A3-related disorder. Also called: COL4A3-Related Disorders; COL4A3-related condition.
Autosomal dominant Alport syndrome (ATS3A). Also called: ALPORT SYNDROME 3A, AUTOSOMAL DOMINANT; Alport syndrome dominant type; Renal failure and sensorineural hearing loss. Identifiers: Orphanet 63, Orphanet 88918, MedGen C5882663, MONDO:0007086, OMIM 104200.
Alport syndrome. Also called: Hemorrhagic familial nephritis; Hemorrhagic hereditary nephritis; Congenital hereditary hematuria. Identifiers: Orphanet 63, MedGen C1567741, MONDO:0018965.
Autosomal recessive Alport syndrome (ATS2). Also called: COL4A3-Related Nephropathy; Alport syndrome type 2; ALPORT SYNDROME 2, AUTOSOMAL RECESSIVE; COL4A4 Alport Syndrome and Thin Basement Membrane Nephropathy. Identifiers: Orphanet 63, Orphanet 88919, MedGen C4746745, MONDO:0008762, OMIM 203780.
Benign familial hematuria. Also called: thin basement membrane disease. Identifiers: MedGen C0241908, MONDO:0957317.
Hematuria. Identifiers: MedGen C0018965, HP:0000790.

Submissions (7):

Natera, Inc.
Classification: Likely pathogenic for Alport syndrome. Last evaluated: 2025-09-14. Review status: criteria provided, single submitter. Criteria: Natera Variant Classification Schema (03/2026). Collection method: clinical testing. Allele origin: germline.
Comment: The c.872G>A variant in COL4A3 is a missense variant predicted to cause substitution of glycine to glutamic acid at amino acid 291. This variant is rare in the general population with a frequency below the threshold expected for the associated phenotype(s). This variant is located in a functionally critical region of the protein. Computational prediction algorithms indicate this variant is likely to affect gene or protein function. Given the available evidence, this variant is classified as Likely Pathogenic.

Genetics Laboratory, Great Ormond Street Hospital NHS Foundation Trust, North Thames Genomic Laboratory Hub
Classification: Likely pathogenic for Haematuria. Last evaluated: 2025-09-01. Review status: criteria provided, single submitter. Criteria: ACGS Best Practice Guidelines for Variant Classification in Rare Disease 2024 v1.2. Collection method: clinical testing. Allele origin: germline. Affected: yes.
Comment: PS4_moderate, PM2_moderate, PP3_supporting, PM1_strong

Institute of Human Genetics Munich, TUM University Hospital
Classification: Likely pathogenic for Autosomal dominant Alport syndrome. Last evaluated: 2025-07-28. Review status: criteria provided, single submitter. Criteria: Classification criteria August 2017. Collection method: clinical testing. Allele origin: germline. Inheritance: Autosomal dominant inheritance. Affected: yes. Observed: 1 variant allele.

Fulgent Genetics
Classification: Likely pathogenic for Autosomal dominant Alport syndrome; Hematuria, benign familial, 1; Autosomal recessive Alport syndrome. Last evaluated: 2021-12-04. Review status: criteria provided, single submitter. Criteria: ACMG Guidelines, 2015. Collection method: clinical testing. Allele origin: unknown.

Labcorp Genetics (formerly Invitae), Labcorp
Classification: Likely pathogenic. Last evaluated: 2021-10-19. Review status: criteria provided, single submitter. Criteria: Invitae Variant Classification Sherloc (09022015). Collection method: clinical testing. Allele origin: germline.
Comment: In summary, the currently available evidence indicates that the variant is pathogenic, but additional data are needed to prove that conclusively. Therefore, this variant has been classified as Likely Pathogenic. Advanced modeling of protein sequence and biophysical properties (such as structural, functional, and spatial information, amino acid conservation, physicochemical variation, residue mobility, and thermodynamic stability) performed at Invitae indicates that this missense variant is expected to disrupt COL4A3 protein function. ClinVar contains an entry for this variant (Variation ID: 562337). This missense change has been observed in individuals with COL4A3-related conditions (PMID: 30881523; Invitae). This variant is not present in population databases (ExAC no frequency). This sequence change replaces glycine with glutamic acid at codon 291 of the COL4A3 protein (p.Gly291Glu). The glycine residue is highly conserved and there is a moderate physicochemical difference between glycine and glutamic acid.

Blueprint Genetics
Classification: Likely pathogenic for COL4A3-related disorders. Last evaluated: 2021-02-10. Review status: criteria provided, single submitter. Criteria: ACMG Guidelines, 2015. Collection method: clinical testing. Allele origin: germline. Affected: yes. Observed: 2 variant alleles.

Gharavi Laboratory, Columbia University
Classification: Likely pathogenic. Last evaluated: 2018-09-16. Review status: no assertion criteria provided. Criteria: ACMG Guidelines, 2015. Collection method: research. Allele origin: germline. Affected: yes. Not counted in ClinVar's aggregate classification.

Literature cited by the submitters: PubMed 20177710 (cited by Institute of Human Genetics Munich, TUM University Hospital); PubMed 30881523 (cited by Labcorp Genetics (formerly Invitae), Labcorp).